The following is an entry in ClinVar:

NM_001182.5(ALDH7A1):c.434G>A (p.Gly145Asp)

Gene: ALDH7A1 (aldehyde dehydrogenase 7 family member A1; minus strand). Cytogenetic location: 5q23.2.
Variant type: single nucleotide variant.
Coding change: c.434G>A on transcript NM_001182.5 (MANE Select); coding-DNA position 434, G replaced by A.
Protein change: p.Gly145Asp; replaces glycine 145 with aspartic acid.
Molecular consequence: missense variant.
Genome position (GRCh38, 1-based): chr5:126,582,934, C>T on the plus strand (G>A on the coding strand, the complement: ALDH7A1 is on the minus strand). VCF-style: chr5-126582934-C-T. GRCh37 (hg19) VCF-style: chr5-125918626-C-T.
Other names: c.350G>A, p.Gly117Asp (NM_001201377.2); c.434G>A, p.Gly145Asp (NM_001202404.2); short protein forms G117D, G145D.
Identifiers: ClinVar variation 1381078 (VCV001381078.6), dbSNP rs2112802788, ClinGen allele CA360731873.

ClinVar aggregate classification (germline): Uncertain significance (1 of 4 stars; one submission).

Conditions:
Pyridoxine-dependent epilepsy (EPEO4). Also called: Pyridoxine-Dependent Epilepsy - ALDH7A1; PYRIDOXINE DEPENDENCY WITH SEIZURES; EPILEPSY, EARLY-ONSET, 4, VITAMIN B6-DEPENDENT; Pyridoxine-Dependent Seizures. Identifiers: Orphanet 3006, MedGen C1849508, MONDO:0009945, OMIM 266100. Disease mechanism: loss of function.

Submission:

Labcorp Genetics (formerly Invitae), Labcorp
Classification: Uncertain significance for Pyridoxine-dependent epilepsy. Last evaluated: 2022-07-06. Review status: criteria provided, single submitter. Criteria: Invitae Variant Classification Sherloc (09022015). Collection method: clinical testing. Allele origin: germline.
Comment: This variant is not present in population databases (gnomAD no frequency). This sequence change replaces glycine, which is neutral and non-polar, with aspartic acid, which is acidic and polar, at codon 145 of the ALDH7A1 protein (p.Gly145Asp). This variant has not been reported in the literature in individuals affected with ALDH7A1-related conditions. In summary, the available evidence is currently insufficient to determine the role of this variant in disease. Therefore, it has been classified as a Variant of Uncertain Significance. Advanced modeling of protein sequence and biophysical properties (such as structural, functional, and spatial information, amino acid conservation, physicochemical variation, residue mobility, and thermodynamic stability) performed at Invitae indicates that this missense variant is expected to disrupt ALDH7A1 protein function. ClinVar contains an entry for this variant (Variation ID: 1381078).